The following is an entry in ClinVar:

NM_000222.3(KIT):c.1568C>T (p.Thr523Ile)

Gene: KIT (KIT proto-oncogene, receptor tyrosine kinase; plus strand). Cytogenetic location: 4q12.
Variant type: single nucleotide variant.
Coding change: c.1568C>T on transcript NM_000222.3 (MANE Select); coding-DNA position 1568, C replaced by T.
Protein change: p.Thr523Ile; replaces threonine 523 with isoleucine.
Molecular consequence: missense variant.
Genome position (GRCh38, 1-based): chr4:54,727,245, C>T. VCF-style: chr4-54727245-C-T. GRCh37 (hg19) VCF-style: chr4-55593411-C-T.
Other names: c.1556C>T, p.Thr519Ile (NM_001093772.2, NM_001385286.1); c.1571C>T, p.Thr524Ile (NM_001385284.1, NM_001385290.1); c.1568C>T, p.Thr523Ile (NM_001385285.1); c.1559C>T, p.Thr520Ile (NM_001385288.1, NM_001385292.1); short protein forms T523I, T519I, T520I, T524I.
Identifiers: ClinVar variation 237246 (VCV000237246.9), dbSNP rs772866513, ClinGen allele CA2923524.
Genomic context (GRCh38, chr4:54,727,245, plus strand): 5'-AGTTTGTGATTCCACATTTCTCTTCCATTGTAGAGCAAATCCATCCCCACACCCTGTTCA[C>T]TCCTTTGCTGATTGGTTTCGTAATCGTAGCTGGCATGATGTGCATTATTGTGATGATTCT-3'
Protein context (NP_000213.1, residues 513-533): KEQIHPHTLF[Thr523Ile]PLLIGFVIVA

ClinVar aggregate classification (germline): Uncertain significance (1 of 4 stars; one submission).

Conditions:
Gastrointestinal stromal tumor. Also called: Gastrointestinal stromal tumor, somatic; Gastrointestinal stroma tumor. Identifiers: Orphanet 44890, MedGen C0238198, MeSH D046152, MONDO:0011719, OMIM 606764, HP:0100723.

Allele frequency attached by ClinVar (database versions not stated): gnomAD exomes below 0.00001 and 0.00001; ExAC 0.00001; TOPMed 0.00001.
gnomAD v4.1: 3 of 1,614,138 alleles (0.00019%); highest among the groups gnomAD compares: East Asian, 0.0022%; no homozygotes.

Submission:

Labcorp Genetics (formerly Invitae), Labcorp
Classification: Uncertain significance for Gastrointestinal stromal tumor. Last evaluated: 2025-06-25. Review status: criteria provided, single submitter. Criteria: Invitae Variant Classification Sherloc (09022015). Collection method: clinical testing. Allele origin: germline.
Comment: This sequence change replaces threonine, which is neutral and polar, with isoleucine, which is neutral and non-polar, at codon 523 of the KIT protein (p.Thr523Ile). This variant is present in population databases (rs772866513, gnomAD 0.003%). This variant has not been reported in the literature in individuals affected with KIT-related conditions. ClinVar contains an entry for this variant (Variation ID: 237246). An algorithm developed to predict the effect of missense changes on protein structure and function (PolyPhen-2) suggests that this variant is likely to be disruptive. In summary, the available evidence is currently insufficient to determine the role of this variant in disease. Therefore, it has been classified as a Variant of Uncertain Significance.